The following is an entry in ClinVar:

ClinVar aggregate classification (germline): Uncertain significance (1 of 4 stars; one submission).

Allele frequency attached by ClinVar (database versions not stated): gnomAD 0.00002; gnomAD exomes 0.00002; TOPMed 0.00007; ExAC 0.00012; 1000 Genomes Project 30x 0.00016; 1000 Genomes Project 0.00020.

Submission:

Labcorp Genetics (formerly Invitae), Labcorp
Classification: Uncertain significance. Last evaluated: 2025-05-12. Review status: criteria provided, single submitter. Criteria: Invitae Variant Classification Sherloc (09022015). Collection method: clinical testing. Allele origin: germline.
Comment: This sequence change replaces arginine, which is basic and polar, with cysteine, which is neutral and slightly polar, at codon 246 of the DOCK6 protein (p.Arg246Cys). This variant is present in population databases (rs546562962, gnomAD 0.1%). This variant has not been reported in the literature in individuals affected with DOCK6-related conditions. ClinVar contains an entry for this variant (Variation ID: 1906895). Invitae Evidence Modeling of protein sequence and biophysical properties (such as structural, functional, and spatial information, amino acid conservation, physicochemical variation, residue mobility, and thermodynamic stability) has been performed for this missense variant. However, the output from this modeling did not meet the statistical confidence thresholds required to predict the impact of this variant on DOCK6 protein function. In summary, the available evidence is currently insufficient to determine the role of this variant in disease. Therefore, it has been classified as a Variant of Uncertain Significance.

NM_020812.4(DOCK6):c.736C>T (p.Arg246Cys)

Gene: DOCK6 (dedicator of cytokinesis 6; minus strand). Cytogenetic location: 19p13.2.
Variant type: single nucleotide variant.
Coding change: c.736C>T on transcript NM_020812.4 (MANE Select); coding-DNA position 736, C replaced by T.
Protein change: p.Arg246Cys; replaces arginine 246 with cysteine.
Molecular consequence: missense variant.
Genome position (GRCh38, 1-based): chr19:11,248,136, G>A on the plus strand (C>T on the coding strand, the complement: DOCK6 is on the minus strand). VCF-style: chr19-11248136-G-A. GRCh37 (hg19) VCF-style: chr19-11358812-G-A.
Other names: c.736C>T, p.Arg246Cys (NM_001367830.1); short protein forms R246C.
Identifiers: ClinVar variation 1906895 (VCV001906895.3), dbSNP rs546562962, ClinGen allele CA9208362.
Genomic context (GRCh38, chr19:11,248,136, plus strand): 5'-GACACTTGACCAAGATCCTTTGTCCAAAGTGCTCGCGGGGTGGCTCTGGGCGGCTACAGC[G>A]TTCCACGGCTTCATCCTGCCAAGAGTGGGGGGTGGGAGCTGGGCGGGAGGAGCTGGGACA-3'
Protein context (NP_065863.2, residues 236-256): PAPDEDEAVE[Arg246Cys]CSRPEPPREH